The following is an entry in ClinVar:

ClinVar aggregate classification (germline): Likely benign. Review status: criteria provided, multiple submitters, no conflicts (2 of 4 stars). 2 submissions from 2 submitters: Likely benign (2). Last evaluated 2026-07-10.

Conditions:
MYH7B-related disorder. Also called: MYH7B-related condition.

gnomAD v4.1: 45 of 1,601,852 alleles (0.0028%); highest among the groups gnomAD compares: Middle Eastern, 0.019%; no homozygotes.

Submissions (2):

PreventionGenetics, part of Exact Sciences
Classification: Likely benign for MYH7B-related condition. Last evaluated: 2026-07-10. Review status: criteria provided, single submitter. Criteria: ACMG Guidelines, 2015. Collection method: clinical testing. Allele origin: germline.
Comment: This variant is classified as likely benign based on ACMG/AMP sequence variant interpretation guidelines (Richards et al. 2015 PMID: 25741868, with internal and published modifications).

Labcorp Genetics (formerly Invitae), Labcorp
Classification: Likely benign. Last evaluated: 2025-04-14. Review status: criteria provided, single submitter. Criteria: Invitae Variant Classification Sherloc (09022015). Collection method: clinical testing. Allele origin: germline.

NM_020884.7(MYH7B):c.4950G>A (p.Thr1650=)

Gene: MYH7B (myosin heavy chain 7B; plus strand). Cytogenetic location: 20q11.22.
Variant type: single nucleotide variant.
Coding change: c.4950G>A on transcript NM_020884.7 (MANE Select); coding-DNA position 4950, G replaced by A.
Protein change: p.Thr1650=; no amino-acid change (threonine 1650 retained).
Molecular consequence: synonymous variant.
Genome position (GRCh38, 1-based): chr20:35,000,461, G>A. VCF-style: chr20-35000461-G-A. GRCh37 (hg19) VCF-style: chr20-33588264-G-A.
Other names: c.5076G>A (NM_020884.4).
Identifiers: ClinVar variation 3625537 (VCV003625537.3).